The following is an entry in ClinVar:

ClinVar aggregate classification (germline): Conflicting classifications of pathogenicity. Review status: criteria provided, conflicting classifications (1 of 4 stars). 10 submissions from 10 submitters: Uncertain significance (3); Likely benign (5). 2 of the submissions do not count toward it. Last evaluated 2026-02-06.

Conditions:
Noonan syndrome 10 (NS10). Identifiers: Orphanet 648, MedGen C4225280, MONDO:0014693, OMIM 616564.
Hereditary cancer-predisposing syndrome. Also called: Hereditary Cancer Syndrome; Hereditary neoplastic syndrome; Neoplastic Syndromes, Hereditary; Tumor predisposition. Identifiers: Orphanet 140162, MedGen C0027672, MeSH D009386, MONDO:0015356.
Cardiovascular phenotype. Identifiers: MedGen CN230736.
LZTR1-related schwannomatosis. Also called: Schwannomatosis-2, susceptibility to; Schwannomatosis 2. Identifiers: Orphanet 93921, MedGen C3810283, MONDO:0014299, OMIM 615670.
LZTR1-related disorder. Also called: LZTR1-related disorders; LZTR1-related condition.

Allele frequency attached by ClinVar (database versions not stated): TOPMed 0.00065; ESP Exome Variant Server 0.00069; gnomAD 0.00077; 1000 Genomes Project 30x 0.00031; 1000 Genomes Project 0.00040.
gnomAD v4.1: 188 of 1,612,952 alleles (0.012%); highest among the groups gnomAD compares: African/African-American, 0.22%; 1 homozygote.

Submissions (10):

GeneDx
Classification: Uncertain significance. Last evaluated: 2026-02-06. Review status: criteria provided, single submitter. Criteria: GeneDx Variant Classification Process June 2021. Collection method: clinical testing. Allele origin: germline.
Comment: In silico analysis supports that this missense variant has a deleterious effect on protein structure/function; This variant is associated with the following publications: (PMID: 25795793, 24362817, 33792302, 34979677)

Labcorp Genetics (formerly Invitae), Labcorp
Classification: Likely benign. Last evaluated: 2026-02-01. Review status: criteria provided, single submitter. Criteria: Invitae Variant Classification Sherloc (09022015). Collection method: clinical testing. Allele origin: germline.

Dasa
Classification: Likely benign. Last evaluated: 2025-12-02. Review status: criteria provided, single submitter. Criteria: DASA Assertion Criteria. Collection method: clinical testing. Allele origin: germline.
Comment: NM_006767.4(LZTR1):c.1904C>T (p.Pro635Leu) is a missense variant that results in the substitution of proline with leucine. Population frequency is inconsistent with a disease-causing role for this variant, and observations in unaffected individuals support a benign interpretation. Therefore, based on the currently available evidence, this variant is classified as likely benign.

Women's Health and Genetics/Laboratory Corporation of America, LabCorp
Classification: Likely benign. Last evaluated: 2025-01-13. Review status: criteria provided, single submitter. Criteria: LabCorp Variant Classification Summary - May 2015. Collection method: clinical testing. Allele origin: germline.
Comment: Variant summary: LZTR1 c.1904C>T (p.Pro635Leu) results in a non-conservative amino acid change in the encoded protein sequence. Four of five in-silico tools predict a damaging effect of the variant on protein function. The variant allele was found at a frequency of 0.00016 in 250026 control chromosomes. The observed variant frequency is approximately 31 fold of the estimated maximal expected allele frequency for a pathogenic variant in LZTR1 causing Noonan Syndrome phenotype (5e-06). To our knowledge, no occurrence of c.1904C>T in individuals affected with Noonan Syndrome and no experimental evidence demonstrating its impact on protein function have been reported. ClinVar contains an entry for this variant (Variation ID: 433552). Based on the evidence outlined above, the variant was classified as likely benign.

Blueprint Genetics
Classification: Likely benign. Last evaluated: 2023-12-07. Review status: criteria provided, single submitter. Criteria: ACMG Guidelines, 2015. Collection method: clinical testing. Allele origin: germline.

Revvity Omics, Revvity
Classification: Uncertain significance. Last evaluated: 2021-05-11. Review status: criteria provided, single submitter. Criteria: ACMG Guidelines, 2015. Collection method: clinical testing. Allele origin: germline.

Clinical Genomics Laboratory, Stanford Medicine
Classification: Uncertain significance for LZTR1-related schwannomatosis. Last evaluated: 2021-03-27. Review status: criteria provided, single submitter. Criteria: ACMG Guidelines, 2015. Collection method: clinical testing. Allele origin: germline. Affected: yes. Observed: 1 heterozygote.
Comment: • The p.Pro635Leu variant in the LZTR1 gene has not been previously reported in association with disease. • This variant has been identified in 58/24,764 (0.23%) African chromosomes by the Genome Aggregation Database. This allele frequency is greater than would be expected to be disease-causing for autosomal dominant disease. • The LZTR1 gene has fewer missense variants in the general population than expected. A low rate of missense variation may suggest that this gene is intolerant to missense variation.• Computational tools predict that the p.Pro635Leu variant does not impact protein function; however, the accuracy of in silico algorithms is limited. • These data were assessed using the ACMG/AMP variant interpretation guidelines. In summary, the significance of the p.Pro635Leu variant is uncertain; however, population frequency data suggests that this variant is more likely to be benign than pathogenic. Additional information is needed to resolve the significance of this variant. [ACMG evidence codes used: PP2]

Ambry Genetics
Classification: Likely benign for Cardiovascular phenotype; Hereditary cancer-predisposing syndrome. Last evaluated: 2020-08-17. Review status: criteria provided, single submitter. Criteria: Ambry Variant Classification Scheme 2023. Collection method: clinical testing. Allele origin: germline.

Foundation for Research in Genetics and Endocrinology, FRIGE's Institute of Human Genetics
Classification: Likely benign for Noonan syndrome 10. Last evaluated: 2025-09-11. Review status: no assertion criteria provided. Collection method: clinical testing. Allele origin: germline. Inheritance: Autosomal dominant inheritance. Affected: yes. Observed: 1 heterozygote. Not counted in ClinVar's aggregate classification.
Comment: The heterozygous missense variant in exon 16 of the LZTR1 gene results in amino acid substitution from leucine to proline at codon 635. Minor allele frequency of the variant in the gnomAD exomes and genomes database is 0.000156 and 0.000765. In silico variant predictor (AlphaMissense) suggests likely benign, whereas, DANN suggests uncertain significance. Missense Z score (-0.54) on the gnomAD database suggests tolerance of the gene to heterozygous missense variant. Based on the given evidence, the variant is re-classified as likely benign.

PreventionGenetics, part of Exact Sciences
Classification: Likely benign for LZTR1-related condition. Last evaluated: 2019-06-07. Review status: no assertion criteria provided. Collection method: clinical testing. Allele origin: germline. Not counted in ClinVar's aggregate classification.
Comment: This variant is classified as likely benign based on ACMG/AMP sequence variant interpretation guidelines (Richards et al. 2015 PMID: 25741868, with internal and published modifications).

NM_006767.4(LZTR1):c.1904C>T (p.Pro635Leu)

Gene: LZTR1 (leucine zipper like post translational regulator 1; plus strand). Cytogenetic location: 22q11.21.
Variant type: single nucleotide variant.
Coding change: c.1904C>T on transcript NM_006767.4 (MANE Select); coding-DNA position 1904, C replaced by T.
Protein change: p.Pro635Leu; replaces proline 635 with leucine.
Molecular consequence: missense variant.
Genome position (GRCh38, 1-based): chr22:20,994,988, C>T. VCF-style: chr22-20994988-C-T. GRCh37 (hg19) VCF-style: chr22-21349277-C-T.
Other names: p.Pro635Leu; short protein forms P635L.
Identifiers: ClinVar variation 433552 (VCV000433552.29), dbSNP rs148677674, ClinGen allele CA10119101.
Genomic context (GRCh38, chr22:20,994,988, plus strand): 5'-AGGAGTTCGAGCGCCTCTCCTCTCCACTGATAGTGGAGATTGTGCGGCGGAAGCAGCAGC[C>T]GCCCCCTCGCACTCCCTTGGACCAGCCAGTGGACATTGGTAGGGAGCCCCGTTCCCCTTC-3'
Protein context (NP_006758.2, residues 625-645): IVEIVRRKQQ[Pro635Leu]PPRTPLDQPV